The following is an entry in ClinVar:

NM_004415.4(DSP):c.7204A>T (p.Ser2402Cys)

Gene: DSP (desmoplakin; plus strand). Cytogenetic location: 6p24.3.
Variant type: single nucleotide variant.
Coding change: c.7204A>T on transcript NM_004415.4 (MANE Select); coding-DNA position 7204, A replaced by T.
Protein change: p.Ser2402Cys; replaces serine 2402 with cysteine.
Molecular consequence: missense variant.
Genome position (GRCh38, 1-based): chr6:7,584,466, A>T. VCF-style: chr6-7584466-A-T. GRCh37 (hg19) VCF-style: chr6-7584699-A-T.
Other names: c.5407A>T, p.Ser1803Cys (NM_001008844.3); c.5875A>T, p.Ser1959Cys (NM_001319034.2); short protein forms S1803C, S1959C, S2402C.
Identifiers: ClinVar variation 3386715 (VCV003386715.1).

ClinVar aggregate classification (germline): Uncertain significance (1 of 4 stars; one submission).

Conditions:
Arrhythmogenic cardiomyopathy with wooly hair and keratoderma. Also called: Carvajal syndrome; PALMOPLANTAR KERATODERMA WITH LEFT VENTRICULAR CARDIOMYOPATHY AND WOOLLY HAIR; Dilated cardiomyopathy with woolly hair and keratoderma; Arrhythmogenic cardiomyopathy with woolly hair and keratoderma. Identifiers: Orphanet 65282, MedGen C1854063, MONDO:0011581, OMIM 605676.

Submission:

All of Us Research Program, National Institutes of Health
Classification: Uncertain significance for Arrhythmogenic cardiomyopathy with wooly hair and keratoderma. Last evaluated: 2024-07-20. Review status: criteria provided, single submitter. Criteria: ACMG Guidelines, 2015. Collection method: clinical testing. Allele origin: germline. Inheritance: Autosomal dominant inheritance. Observed: 1 variant allele, 1 heterozygote.
Comment: This missense variant replaces serine with cysteine at codon 2402 of the DSP protein. Computational prediction suggests that this variant may not impact protein structure and function (internally defined REVEL score threshold <= 0.5, PMID: 27666373). To our knowledge, functional studies have not been reported for this variant. This variant has not been reported in individuals affected with DSP-related disorders in the literature. This variant has not been identified in the general population by the Genome Aggregation Database (gnomAD). The available evidence is insufficient to determine the role of this variant in disease conclusively. Therefore, this variant is classified as a Variant of Uncertain Significance.

This study involves interpretation of variants in research participants for the purpose of population health screening. Participant phenotype was not available at the time of variant classification. Additional details can be found in publication PMID: 35346344, PMCID: PMC8962531